The following is an entry in ClinVar:

ClinVar aggregate classification (germline): Uncertain significance. Review status: criteria provided, multiple submitters, no conflicts (2 of 4 stars). 5 submissions from 5 submitters: Uncertain significance (5). Last evaluated 2025-11-01.

Conditions:
Leukoencephalopathy-thalamus and brainstem anomalies-high lactate syndrome. Also called: LEUKOENCEPHALOPATHY WITH THALAMUS AND BRAINSTEM INVOLVEMENT AND HIGH LACTATE; Combined oxidative phosphorylation deficiency 12. Identifiers: Orphanet 314051, MedGen C4706421, MONDO:0013971, OMIM 614924.

Allele frequency attached by ClinVar (database versions not stated): gnomAD 0.00002; ExAC 0.00003; gnomAD exomes 0.00004; TOPMed 0.00004; ESP Exome Variant Server 0.00008.
gnomAD v4.1: 193 of 1,613,322 alleles (0.012%); highest among the groups gnomAD compares: Non-Finnish European, 0.015%; no homozygotes.

Submissions (5):

Mayo Clinic Laboratories, Mayo Clinic
Classification: Uncertain significance. Last evaluated: 2025-11-01. Review status: criteria provided, single submitter. Criteria: ACMG Guidelines, 2015. Collection method: clinical testing. Allele origin: germline. Observed: 2 variant alleles.

CeGaT Center for Human Genetics Tuebingen
Classification: Uncertain significance. Last evaluated: 2024-02-01. Review status: criteria provided, single submitter. Criteria: CeGaT Center For Human Genetics Tuebingen Variant Classification Criteria Version 2. Collection method: clinical testing. Allele origin: germline. Affected: yes. Observed: 1 variant allele.
Comment: EARS2: PM2, BP4

GeneDx
Classification: Uncertain significance. Last evaluated: 2023-03-09. Review status: criteria provided, single submitter. Criteria: GeneDx Variant Classification Process June 2021. Collection method: clinical testing. Allele origin: germline. Affected: yes.
Comment: Not observed at significant frequency in large population cohorts (gnomAD); In silico analysis supports that this missense variant does not alter protein structure/function; Has not been previously published as pathogenic or benign to our knowledge; In silico analysis suggests this variant may impact gene splicing. In the absence of RNA/functional studies, the actual effect of this sequence change is unknown.

Baylor Genetics
Classification: Uncertain significance for Leukoencephalopathy-thalamus and brainstem anomalies-high lactate syndrome. Last evaluated: 2019-01-11. Review status: criteria provided, single submitter. Criteria: ACMG Guidelines, 2015. Collection method: clinical testing. Allele origin: maternal. Affected: yes.
Comment: This variant was determined to be of uncertain significance according to ACMG Guidelines, 2015 [PMID:25741868].

Illumina Laboratory Services, Illumina
Classification: Uncertain significance for Leukoencephalopathy-thalamus and brainstem anomalies-high lactate syndrome. Last evaluated: 2018-01-13. Review status: criteria provided, single submitter. Criteria: ICSL Variant Classification Criteria 13 December 2019. Collection method: clinical testing. Allele origin: germline.

NM_001083614.2(EARS2):c.1352G>T (p.Gly451Val)

Gene: EARS2 (glutamyl-tRNA synthetase 2, mitochondrial; minus strand). Cytogenetic location: 16p12.2.
Variant type: single nucleotide variant.
Coding change: c.1352G>T on transcript NM_001083614.2 (MANE Select); coding-DNA position 1352, G replaced by T.
Protein change: p.Gly451Val; replaces glycine 451 with valine.
Molecular consequence: missense variant. On other transcripts: non-coding transcript variant (1).
Genome position (GRCh38, 1-based): chr16:23,529,502, C>A on the plus strand (G>T on the coding strand, the complement: EARS2 is on the minus strand). VCF-style: chr16-23529502-C-A. GRCh37 (hg19) VCF-style: chr16-23540823-C-A.
Other names: p.Gly451Val; c.1352G>T, p.Gly451Val (NM_001308211.1); short protein forms G451V.
Identifiers: ClinVar variation 318544 (VCV000318544.29), dbSNP rs201181229, ClinGen allele CA7962345.